The following is an entry in ClinVar:

NM_004281.4(BAG3):c.1296_1297inv (p.Gln433Ter)

Gene: BAG3 (BAG cochaperone 3; plus strand). Cytogenetic location: 10q26.11.
Variant type: Inversion.
Coding change: c.1296_1297inv on transcript NM_004281.4 (MANE Select).
Protein change: p.Gln433Ter; replaces glutamine 433 with a stop codon.
Molecular consequence: nonsense.
Genome position: GRCh38 VCF-style: chr10-119676850-AC-GT. GRCh37 (hg19) VCF-style: chr10-121436362-AC-GT.
Other names: c.1296_1297invAC (NM_004281.3); short protein forms Q433*.
Identifiers: ClinVar variation 471799 (VCV000471799.9), ClinGen allele CA658656099.

ClinVar aggregate classification (germline): Pathogenic (1 of 4 stars; one submission).

Conditions:
Dilated cardiomyopathy 1HH (CMD1HH). Identifiers: Orphanet 154, MedGen C3151293, MONDO:0013479, OMIM 613881.
Myofibrillar myopathy 6. Identifiers: Orphanet 199340, MedGen C2751831, MONDO:0013061, OMIM 612954.

Submission:

Labcorp Genetics (formerly Invitae), Labcorp
Classification: Pathogenic for Dilated cardiomyopathy 1HH; Myofibrillar myopathy 6. Last evaluated: 2023-09-11. Review status: criteria provided, single submitter. Criteria: Invitae Variant Classification Sherloc (09022015). Collection method: clinical testing. Allele origin: germline.
Comment: This variant disrupts a region of the BAG3 protein in which other variant(s) (p.Lys449*) have been determined to be pathogenic (Invitae). This suggests that this is a clinically significant region of the protein, and that variants that disrupt it are likely to be disease-causing. ClinVar contains an entry for this variant (Variation ID: 471799). This variant has not been reported in the literature in individuals affected with BAG3-related conditions. Information on the frequency of this variant in the gnomAD database is not available, as this variant may be reported differently in the database. This sequence change creates a premature translational stop signal (p.Gln433*) in the BAG3 gene. While this is not anticipated to result in nonsense mediated decay, it is expected to disrupt the last 143 amino acid(s) of the BAG3 protein. For these reasons, this variant has been classified as Pathogenic.